The following is an entry in ClinVar:

Single allele

Genes: ADPGK (ADP dependent glucokinase; minus strand), ARID3B (AT-rich interaction domain 3B; plus strand), BBS4 (Bardet-Biedl syndrome 4; plus strand), C15orf39 (chromosome 15 open reading frame 39; plus strand), CCDC33 (coiled-coil domain containing 33; plus strand) and 34 more. Cytogenetic location: 15q24.1-24.2.
Variant type: Deletion.
Identifiers: ClinVar variation 560117 (VCV000560117.3).

ClinVar aggregate classification (germline): Pathogenic (1 of 4 stars; one submission).

Submission:

Geisinger Autism and Developmental Medicine Institute, Geisinger Health System
Classification: Pathogenic. Last evaluated: 2018-03-27. Review status: criteria provided, single submitter. Criteria: ACMG CNV Guidelines, 2011. Collection method: provider interpretation. Allele origin: unknown.
Comment: Overlapping deletions of 15q24.1q24.2 have been identified in individuals with developmental delay, intellectual disability, dysmorphic features, hypotonia, digital anomalies, joint laxity and genital anomalies (Mefford et al. 2012; El-Hattab et al 2009; Van Esch et al. 2009). In the literature, deletions were de novo in each case. Parental follow-up testing has not been completed for this family to date.

Literature cited by the submitters: PubMed 22180641; PubMed 19557438; PubMed 19233321.